The following is an entry in ClinVar:

ClinVar aggregate classification (germline): Uncertain significance (1 of 4 stars; one submission).

Allele frequency attached by ClinVar (database versions not stated): gnomAD exomes below 0.00001.
gnomAD v4.1: 1 of 1,614,244 alleles (0.000062%); highest among the groups gnomAD compares: Non-Finnish European, 0.000085%; no homozygotes.

Submission:

Labcorp Genetics (formerly Invitae), Labcorp
Classification: Uncertain significance. Last evaluated: 2024-10-01. Review status: criteria provided, single submitter. Criteria: Invitae Variant Classification Sherloc (09022015). Collection method: clinical testing. Allele origin: germline.
Comment: This sequence change replaces serine, which is neutral and polar, with arginine, which is basic and polar, at codon 176 of the KLF10 protein (p.Ser176Arg). This variant is present in population databases (no rsID available, gnomAD 0.0009%). This variant has not been reported in the literature in individuals affected with KLF10-related conditions. ClinVar contains an entry for this variant (Variation ID: 1524679). An algorithm developed to predict the effect of missense changes on protein structure and function (PolyPhen-2) suggests that this variant is likely to be disruptive. In summary, the available evidence is currently insufficient to determine the role of this variant in disease. Therefore, it has been classified as a Variant of Uncertain Significance.

NM_005655.4(KLF10):c.526A>C (p.Ser176Arg)

Gene: KLF10 (KLF transcription factor 10; minus strand). Cytogenetic location: 8q22.3.
Variant type: single nucleotide variant.
Coding change: c.526A>C on transcript NM_005655.4 (MANE Select); coding-DNA position 526, A replaced by C.
Protein change: p.Ser176Arg; replaces serine 176 with arginine.
Molecular consequence: missense variant.
Genome position (GRCh38, 1-based): chr8:102,651,806, T>G on the plus strand (A>C on the coding strand, the complement: KLF10 is on the minus strand). VCF-style: chr8-102651806-T-G. GRCh37 (hg19) VCF-style: chr8-103664034-T-G.
Other names: c.493A>C, p.Ser165Arg (NM_001032282.4); short protein forms S165R, S176R.
Identifiers: ClinVar variation 1524679 (VCV001524679.6), dbSNP rs1431578037, ClinGen allele CA371628154.
Genomic context (GRCh38, chr8:102,651,806, plus strand): 5'-CAGCCTCAACATTTAGGTGGGTTCTTCTTCTAAAAGAATTGTTCTGATAGTTGAGGATGC[T>G]GGCTGCTTTCATTGGGCAGGTCTGGTGGTTACATAGCTGGGCATCAGCTGTATGACGAAT-3'
Protein context (NP_005646.1, residues 166-186): NHQTCPMKAA[Ser176Arg]ILNYQNNSFR